The following is an entry in ClinVar:

NM_001366145.2(TRPM3):c.4276A>G (p.Ile1426Val)

Genes: KLF9-DT (KLF9 divergent transcript; plus strand), TRPM3 (transient receptor potential cation channel subfamily M member 3; minus strand). Cytogenetic location: 9q21.12.
Variant type: single nucleotide variant.
Coding change: c.4276A>G on transcript NM_001366145.2 (MANE Select); coding-DNA position 4276, A replaced by G.
Protein change: p.Ile1426Val; replaces isoleucine 1426 with valine.
Molecular consequence: missense variant. On other transcripts: intron variant (8).
Genome position (GRCh38, 1-based): chr9:70,536,837, T>C on the plus strand (A>G on the coding strand, the complement: TRPM3 is on the minus strand). VCF-style: chr9-70536837-T-C. GRCh37 (hg19) VCF-style: chr9-73151753-T-C.
Other names: c.3826A>G, p.Ile1276Val (NM_206947.5); c.3961+285A>G (NM_001366143.2); c.3997+285A>G (NM_001366142.2); c.3925+285A>G (NM_001366150.2); c.3955+285A>G (NM_001366151.2); c.3991+285A>G (NM_001366146.2); c.4036+285A>G (NM_001366148.2); c.4066+285A>G (NM_001366152.2); and 9 more; short protein forms I1251V, I1261V, I1263V, I1273V, I1276V, I1286V, I1414V, I1416V.
Identifiers: ClinVar variation 4849032 (VCV004849032.1).

ClinVar aggregate classification (germline): Uncertain significance (1 of 4 stars; one submission).

gnomAD v4.1: 14 of 1,614,190 alleles (0.00087%); highest among the groups gnomAD compares: African/African-American, 0.011%; no homozygotes.

Submission:

Women's Health and Genetics/Laboratory Corporation of America, LabCorp
Classification: Uncertain significance. Last evaluated: 2026-04-27. Review status: criteria provided, single submitter. Criteria: LabCorp Variant Classification Summary - May 2015. Collection method: clinical testing. Allele origin: germline.
Comment: Variant summary: TRPM3 c.3781A>G (p.Ile1261Val) results in a conservative amino acid change in the encoded protein sequence. Algorithms developed to predict the effect of missense changes on protein structure and function all suggest that this variant is likely to be tolerated. The variant allele was found at a frequency of 8e-06 in 251488 control chromosomes. The available data on variant occurrences in the general population are insufficient to allow any conclusion about variant significance. To our knowledge, no occurrence of c.3781A>G in individuals affected with TRPM3-related conditions and no experimental evidence demonstrating its impact on protein function have been reported. No submitters have cited clinical-significance assessments for this variant to ClinVar. Based on the evidence outlined above, the variant was classified as uncertain significance.